The following is an entry in ClinVar:

NM_001395413.1(POR):c.229-2A>G

Gene: POR (cytochrome p450 oxidoreductase; plus strand). Cytogenetic location: 7q11.23.
Variant type: single nucleotide variant.
Coding change: c.229-2A>G on transcript NM_001395413.1 (MANE Select); the canonical splice acceptor site of the intron before coding-DNA position 229, A replaced by G.
Molecular consequence: splice acceptor variant.
Genome position (GRCh38, 1-based): chr7:75,979,449, A>G. VCF-style: chr7-75979449-A-G. GRCh37 (hg19) VCF-style: chr7-75608767-A-G.
Other names: c.229-2A>G (NM_001382662.3, NM_001382659.3, NM_001367562.3 and 2 more transcripts); c.283-2A>G (NM_001382655.3).
Identifiers: ClinVar variation 2840098 (VCV002840098.3), dbSNP rs74316682, ClinGen allele CA367747258.
Genomic context (GRCh38, chr7:75,979,449, plus strand): 5'-TGTTCACCGGAGCCGTGGCTGAGGTCTGTGGCCCTCACCAACCCTGTGTCTGCCTTCCTT[A>G]GGGGAGGAACATCATCGTGTTCTACGGCTCCCAGACGGGGACTGCAGAGGAGTTTGCCAA-3'

ClinVar aggregate classification (germline): Likely pathogenic (1 of 4 stars; one submission).

Conditions:
Congenital adrenal hyperplasia due to cytochrome P450 oxidoreductase deficiency. Also called: DISORDERED STEROIDOGENESIS DUE TO POR DEFICIENCY. Identifiers: Orphanet 95699, MedGen C1860042, MONDO:0013310, OMIM 613571.

Submission:

Labcorp Genetics (formerly Invitae), Labcorp
Classification: Likely pathogenic for Congenital adrenal hyperplasia due to cytochrome P450 oxidoreductase deficiency. Last evaluated: 2023-02-23. Review status: criteria provided, single submitter. Criteria: Invitae Variant Classification Sherloc (09022015). Collection method: clinical testing. Allele origin: germline.
Comment: Algorithms developed to predict the effect of sequence changes on RNA splicing suggest that this variant may disrupt the consensus splice site. This variant has not been reported in the literature in individuals affected with POR-related conditions. This variant is not present in population databases (gnomAD no frequency). This sequence change affects an acceptor splice site in intron 3 of the POR gene. It is expected to disrupt RNA splicing. Variants that disrupt the donor or acceptor splice site typically lead to a loss of protein function (PMID: 16199547), and loss-of-function variants in POR are known to be pathogenic (PMID: 14758361, 20732302, 21741353). In summary, the currently available evidence indicates that the variant is pathogenic, but additional data are needed to prove that conclusively. Therefore, this variant has been classified as Likely Pathogenic.

Literature cited by the submitters: PubMed 16199547; PubMed 14758361; PubMed 20732302; PubMed 21741353.